The following is an entry in ClinVar:

ClinVar aggregate classification (germline): Uncertain significance (1 of 4 stars; one submission).

gnomAD v4.1: 1 of 1,449,490 alleles (0.000069%); highest among the groups gnomAD compares: Non-Finnish European, 0.000092%; no homozygotes.

Submission:

GeneDx
Classification: Uncertain significance. Last evaluated: 2025-03-30. Review status: criteria provided, single submitter. Criteria: GeneDx Variant Classification Process June 2021. Collection method: clinical testing. Allele origin: germline. Affected: yes.
Comment: Not observed at significant frequency in large population cohorts (gnomAD); In silico analysis indicates that this missense variant does not alter protein structure/function; Has not been previously published as pathogenic or benign to our knowledge

NM_001379291.1(BRD4):c.2822C>G (p.Pro941Arg)

Gene: BRD4 (bromodomain containing 4; minus strand). Cytogenetic location: 19p13.12.
Variant type: single nucleotide variant.
Coding change: c.2822C>G on transcript NM_001379291.1 (MANE Select); coding-DNA position 2822, C replaced by G.
Protein change: p.Pro941Arg; replaces proline 941 with arginine.
Molecular consequence: missense variant.
Genome position (GRCh38, 1-based): chr19:15,243,247, G>C on the plus strand (C>G on the coding strand, the complement: BRD4 is on the minus strand). VCF-style: chr19-15243247-G-C. GRCh37 (hg19) VCF-style: chr19-15354058-G-C.
Other names: c.2822C>G, p.Pro941Arg (NM_058243.3); short protein forms P941R.
Identifiers: ClinVar variation 4278749 (VCV004278749.1).
Genomic context (GRCh38, chr19:15,243,247, plus strand): 5'-GGGGGCGGCAGGGGGGGTGGGGGCTGGGACTGCACCTTCACGGAAGGGAGTAGCGGCGTA[G>C]GGGGCTGCACCTTCTGCAGCTGCTGCAGGTACAGCTGCATCTGCATGGAGGTGAGGGGTG-3'
Protein context (NP_001366220.1, residues 931-951): YLQQLQKVQP[Pro941Arg]TPLLPSVKVQ